The following is an entry in ClinVar:

ClinVar aggregate classification (germline): Uncertain significance (1 of 4 stars; one submission).

Conditions:
Hereditary cancer. Identifiers: MedGen C1333600.

Submission:

Mendelics
Classification: Uncertain significance for Hereditary cancer. Last evaluated: 2026-03-28. Review status: criteria provided, single submitter. Criteria: ACMG Guidelines, 2015. Collection method: clinical testing. Allele origin: unknown.
Comment: The available evidence is insufficient to conclusively determine the role of this variant. Therefore, it is classified as a Variant of Uncertain Significance.

Single allele

Genes: ADGRL4 (adhesion G protein-coupled receptor L4; minus strand), IFI44 (interferon induced protein 44; plus strand), IFI44L (interferon induced protein 44 like; plus strand), MGC27382 (uncharacterized MGC27382; plus strand), PTGFR (prostaglandin F receptor; plus strand) and 9 more. Cytogenetic location: 1p31.1.
Variant type: Duplication.
Identifiers: ClinVar variation 4820240 (VCV004820240.1).